The following is an entry in ClinVar:

ClinVar aggregate classification (germline): Pathogenic/Likely pathogenic. Review status: criteria provided, multiple submitters, no conflicts (2 of 4 stars). 11 submissions from 11 submitters: Pathogenic (2); Likely pathogenic (6). 3 of the submissions do not count toward it. Last evaluated 2025-07-28.

Conditions:
CFTR-related disorder (CFTR-RD). Also called: CFTR-related condition; CFTR-related disorders. Identifiers: MedGen C5924204, MONDO:7770004.
Bronchiectasis with or without elevated sweat chloride 1 (BESC1). Also called: Cystic Fibrosis-Like Syndrome. Identifiers: Orphanet 60033, MedGen C2749757, MONDO:0008887, OMIM 211400.
Congenital bilateral aplasia of vas deferens from CFTR mutation (CBAVD). Identifiers: Orphanet 48, MedGen C0403814, MONDO:0010178, OMIM 277180. Disease mechanism: loss of function.
Cystic fibrosis (CF). Also called: MUCOVISCIDOSIS. Identifiers: Orphanet 586, MedGen C0010674, MONDO:0009061, OMIM 219700. Disease mechanism: loss of function.
Hereditary pancreatitis (PCTT). Also called: PRSS1-Related Hereditary Pancreatitis; Hereditary chronic pancreatitis. Identifiers: Orphanet 676, MedGen C0238339, MONDO:0008185, OMIM 167800.

Allele frequency attached by ClinVar (database versions not stated): gnomAD exomes below 0.00001.
gnomAD v4.1: 1 of 1,604,436 alleles (0.000062%); highest among the groups gnomAD compares: Middle Eastern, 0.017%; no homozygotes.

Submissions (11):

Natera, Inc.
Classification: Likely pathogenic for CFTR-related disorders. Last evaluated: 2025-07-28. Review status: criteria provided, single submitter. Criteria: Natera Variant Classification Schema (03/2026). Collection method: clinical testing. Allele origin: germline.
Comment: The c.523A>G variant in CFTR is a missense variant predicted to cause substitution of isoleucine to valine at amino acid 175. This variant is rare in the general population with a frequency below the threshold expected for the associated phenotype(s). This variant has been observed in one or more individuals affected with the associated recessive disease, as either homozygous or compound heterozygous with a second variant (PMID: 28546993, 32662942). Functional studies show that this variant may disrupt protein function (PMID: 33085659). Computational prediction algorithms indicate this variant is likely to affect gene or protein function. Given the available evidence, this variant is classified as Likely Pathogenic.

Institute of Human Genetics, University of Leipzig Medical Center
Classification: Likely pathogenic for Cystic fibrosis. Last evaluated: 2025-05-20. Review status: criteria provided, single submitter. Criteria: ACMG Guidelines, 2015. Collection method: curation. Allele origin: unknown. Inheritance: Autosomal recessive inheritance. Affected: yes. Observed: 1 variant allele.
Comment: The variant was classified in the context of a project re-classifying variants in the German Cystic Fibrosis Registry (Muko.e.V.). Criteria applied: PM3_STR, PM2_SUP, PP3, PP4

Women's Health and Genetics/Laboratory Corporation of America, LabCorp
Classification: Likely pathogenic for Cystic fibrosis. Last evaluated: 2025-03-07. Review status: criteria provided, single submitter. Criteria: LabCorp Variant Classification Summary - May 2015. Collection method: clinical testing. Allele origin: germline.
Comment: Variant summary: CFTR c.523A>G (p.Ile175Val) results in a conservative amino acid change located in the transmembrane domain (IPR011527) of the encoded protein sequence. Three of five in-silico tools predict a damaging effect of the variant on protein function. The variant was absent in 250706 control chromosomes (gnomAD). c.523A>G has been reported in the literature in the homozygous state in multiple individuals affected with Cystic Fibrosis, including at least one family in which it segregated with the disease phenotype (e.g. Romey_1994, Behar_2017, Alsamri_2020). These data indicate that the variant is very likely to be associated with disease. However, at least 3 publications report experimental evidence evaluating an impact on protein function and showed conflicting evidence of this variant in vitro (e.g. Seibert_1997, Caputo_2009, Bihler_2024). The following publications have been ascertained in the context of this evaluation (PMID: 32662942, 28546993, 38388235, 19491324, 7520799, 9305991). ClinVar contains an entry for this variant (Variation ID: 53986). Based on the evidence outlined above, the variant was classified as likely pathogenic.

Dubai Health Genomic Medicine Center, Dubai Health
Classification: Likely pathogenic for Cystic fibrosis. Last evaluated: 2024-10-04. Review status: criteria provided, single submitter. Criteria: ACMG Guidelines, 2015. Collection method: research. Allele origin: germline. Affected: yes.
Comment: PP1,PM3(strong),PM2,PP3,PP4

Fulgent Genetics
Classification: Likely pathogenic for Hereditary pancreatitis; Bronchiectasis with or without elevated sweat chloride 1; Cystic fibrosis; Congenital bilateral aplasia of vas deferens from CFTR mutation. Last evaluated: 2024-06-11. Review status: criteria provided, single submitter. Criteria: ACMG Guidelines, 2015. Collection method: clinical testing. Allele origin: germline.

Labcorp Genetics (formerly Invitae), Labcorp
Classification: Pathogenic for Cystic fibrosis. Last evaluated: 2023-11-17. Review status: criteria provided, single submitter. Criteria: Invitae Variant Classification Sherloc (09022015). Collection method: clinical testing. Allele origin: germline.
Comment: This sequence change replaces isoleucine, which is neutral and non-polar, with valine, which is neutral and non-polar, at codon 175 of the CFTR protein (p.Ile175Val). This variant is not present in population databases (gnomAD no frequency). This missense change has been observed in individuals with cystic fibrosis (PMID: 7520799, 28546993). It has also been observed to segregate with disease in related individuals. ClinVar contains an entry for this variant (Variation ID: 53986). Advanced modeling of protein sequence and biophysical properties (such as structural, functional, and spatial information, amino acid conservation, physicochemical variation, residue mobility, and thermodynamic stability) performed at Invitae indicates that this missense variant is expected to disrupt CFTR protein function with a positive predictive value of 80%. Experimental studies are conflicting or provide insufficient evidence to determine the effect of this variant on CFTR function (PMID: 9305991, 19491324). Algorithms developed to predict the effect of sequence changes on RNA splicing suggest that this variant may disrupt the consensus splice site. For these reasons, this variant has been classified as Pathogenic.

Baylor Genetics
Classification: Likely pathogenic for Bronchiectasis with or without elevated sweat chloride 1. Last evaluated: 2023-05-29. Review status: criteria provided, single submitter. Criteria: ACMG Guidelines, 2015. Collection method: clinical testing. Allele origin: unknown.

CFTR-France
Classification: Pathogenic for cystic fibrosis. Last evaluated: 2015-07-03. Review status: criteria provided, single submitter. Criteria: Claustres M et al. (Hum Mutat 2017). Collection method: curation. Allele origin: germline. Affected: yes.

Counsyl
Classification: Uncertain significance for Cystic fibrosis. Last evaluated: 2017-04-17. Review status: no assertion criteria provided. Collection method: clinical testing. Allele origin: unknown. Not counted in ClinVar's aggregate classification.

ClinVar Staff, National Center for Biotechnology Information (NCBI)
No classification provided. Condition: CFTR-related disorders. Review status: no classification provided. Collection method: literature only. Allele origin: germline. Affected: yes. Not counted in ClinVar's aggregate classification.

Genome-Nilou Lab
Classification: Uncertain significance for Cystic fibrosis. Last evaluated: 2021-07-22. Review status: flagged submission. Criteria: ACMG Guidelines, 2015. Collection method: clinical testing. Allele origin: germline. Affected: no. Not counted in ClinVar's aggregate classification.
ClinVar note: Reason: Outlier claim with insufficient supporting evidence

Literature cited by the submitters: PubMed 28546993 (cited by 3 submitters); PubMed 32662942 (cited by Natera, Inc. and Women's Health and Genetics/Laboratory Corporation of America, LabCorp); PubMed 33085659 (cited by Natera, Inc.); PubMed 19491324 (cited by Women's Health and Genetics/Laboratory Corporation of America, LabCorp and Labcorp Genetics (formerly Invitae), Labcorp); PubMed 9305991 (cited by 3 submitters); PubMed 7520799 (cited by 3 submitters); PubMed 38388235 (cited by Women's Health and Genetics/Laboratory Corporation of America, LabCorp); PubMed 15698946 (cited by ClinVar Staff, National Center for Biotechnology Information (NCBI)).

NM_000492.4(CFTR):c.523A>G (p.Ile175Val)

Gene: CFTR (CF transmembrane conductance regulator; plus strand). Cytogenetic location: 7q31.2.
Variant type: single nucleotide variant.
Coding change: c.523A>G on transcript NM_000492.4 (MANE Select); coding-DNA position 523, A replaced by G.
Protein change: p.Ile175Val; replaces isoleucine 175 with valine.
Molecular consequence: missense variant.
Genome position (GRCh38, 1-based): chr7:117,534,309, A>G. VCF-style: chr7-117534309-A-G. GRCh37 (hg19) VCF-style: chr7-117174363-A-G.
Other names: short protein forms I175V.
Identifiers: ClinVar variation 53986 (VCV000053986.22), dbSNP rs397508744, ClinGen allele CA327547.